The following is an entry in ClinVar:

ClinVar aggregate classification (germline): Uncertain significance (1 of 4 stars; one submission).

Conditions:
Inborn genetic diseases. Identifiers: MedGen C0950123, MeSH D030342.

Submission:

Ambry Genetics
Classification: Uncertain significance for Inborn genetic diseases. Last evaluated: 2026-07-20. Review status: criteria provided, single submitter. Criteria: Ambry Variant Classification Scheme 2023. Collection method: clinical testing. Allele origin: germline.
Comment: The c.6182C>T (p.T2061I) alteration is located in exon 8 (coding exon 8) of the ZNF292 gene. This alteration results from a C to T substitution at nucleotide position 6182, causing the threonine (T) at amino acid position 2061 to be replaced by an isoleucine (I). Based on data from gnomAD, the T allele has an overall frequency of <0.001% (0/242800) total alleles studied. The highest observed frequency was <0.001% (/) of alleles. Based on insufficient or conflicting evidence, the clinical significance of this alteration remains unclear.

NM_015021.3(ZNF292):c.6182C>T (p.Thr2061Ile)

Gene: ZNF292 (zinc finger protein 292; plus strand). Cytogenetic location: 6q14.3.
Variant type: single nucleotide variant.
Coding change: c.6182C>T on transcript NM_015021.3 (MANE Select); coding-DNA position 6182, C replaced by T.
Protein change: p.Thr2061Ile; replaces threonine 2061 with isoleucine.
Molecular consequence: missense variant.
Genome position (GRCh38, 1-based): chr6:87,259,811, C>T. VCF-style: chr6-87259811-C-T. GRCh37 (hg19) VCF-style: chr6-87969529-C-T.
Other names: c.5762C>T, p.Thr1921Ile (NM_001351444.2); short protein forms T1921I, T2061I.
Identifiers: ClinVar variation 5032180 (VCV005032180.1).